The following is an entry in ClinVar:

ClinVar aggregate classification (germline): Uncertain significance (1 of 4 stars; one submission).

Conditions:
FG syndrome (FGS). Identifiers: MedGen C0220769, MONDO:0002010.

Submission:

Labcorp Genetics (formerly Invitae), Labcorp
Classification: Uncertain significance for FG syndrome. Last evaluated: 2024-05-08. Review status: criteria provided, single submitter. Criteria: Invitae Variant Classification Sherloc (09022015). Collection method: clinical testing. Allele origin: germline.
Comment: This sequence change replaces proline, which is neutral and non-polar, with alanine, which is neutral and non-polar, at codon 2004 of the MED12 protein (p.Pro2004Ala). This variant is not present in population databases (gnomAD no frequency). This variant has not been reported in the literature in individuals affected with MED12-related conditions. Advanced modeling of protein sequence and biophysical properties (such as structural, functional, and spatial information, amino acid conservation, physicochemical variation, residue mobility, and thermodynamic stability) performed at Invitae indicates that this missense variant is not expected to disrupt MED12 protein function with a negative predictive value of 95%. In summary, the available evidence is currently insufficient to determine the role of this variant in disease. Therefore, it has been classified as a Variant of Uncertain Significance.

NM_005120.3(MED12):c.6010C>G (p.Pro2004Ala)

Gene: MED12 (mediator complex subunit 12; plus strand). Cytogenetic location: Xq13.1.
Variant type: single nucleotide variant.
Coding change: c.6010C>G on transcript NM_005120.3 (MANE Select); coding-DNA position 6010, C replaced by G.
Protein change: p.Pro2004Ala; replaces proline 2004 with alanine.
Molecular consequence: missense variant.
Genome position (GRCh38, 1-based): chrX:71,137,909, C>G. VCF-style: chrX-71137909-C-G. GRCh37 (hg19) VCF-style: chrX-70357759-C-G.
Other names: short protein forms P2004A.
Identifiers: ClinVar variation 3634972 (VCV003634972.2).